The following is an entry in ClinVar:

NM_017415.3(KLHL3):c.1280T>C (p.Met427Thr)

Gene: KLHL3 (kelch like family member 3; minus strand). Cytogenetic location: 5q31.2.
Variant type: single nucleotide variant.
Coding change: c.1280T>C on transcript NM_017415.3 (MANE Select); coding-DNA position 1280, T replaced by C.
Protein change: p.Met427Thr; replaces methionine 427 with threonine.
Molecular consequence: missense variant.
Genome position (GRCh38, 1-based): chr5:137,637,335, A>G on the plus strand (T>C on the coding strand, the complement: KLHL3 is on the minus strand). VCF-style: chr5-137637335-A-G. GRCh37 (hg19) VCF-style: chr5-136973024-A-G.
Other names: c.1184T>C, p.Met395Thr (NM_001257194.1); c.1034T>C, p.Met345Thr (NM_001257195.2); short protein forms M427T, M345T, M395T.
Identifiers: ClinVar variation 100537 (VCV000100537.4), dbSNP rs199469642, ClinGen allele CA269977.
Genomic context (GRCh38, chr5:137,637,335, plus strand): 5'-GCCACTGCCGCCTCCTTACCCTCCACAACGCCCACACCCACACTGCTCCGCCGCGTGTTC[A>G]TCGGGGCCACAAAGAACCACTCGTTGGTCTTGTAGCTGTAGGCTTCCACCGATGCTAGGC-3'
Protein context (NP_059111.2, residues 417-437): KTNEWFFVAP[Met427Thr]NTRRSSVGVG

ClinVar aggregate classification (germline): Likely pathogenic. Review status: criteria provided, single submitter (1 of 4 stars). 2 submissions from 2 submitters: Likely pathogenic (1). 1 of the submissions does not count toward it. Last evaluated 2024-05-23.

Conditions:
Pseudohypoaldosteronism type 2D (PHA2D). Also called: FAMILIAL HYPERKALEMIC HYPERTENSION; PSEUDOHYPOALDOSTERONISM, TYPE IID, AUTOSOMAL DOMINANT OR RECESSIVE; Pseudohypoaldosteronism Type IID. Identifiers: Orphanet 300525, Orphanet 757, MedGen C3469605, MONDO:0013781, OMIM 614495.
Pseudohypoaldosteronism type 2A (PHA2A). Also called: GORDON HYPERKALEMIA-HYPERTENSION SYNDROME; HYPERTENSIVE HYPERKALEMIA, FAMILIAL. Identifiers: Orphanet 757, Orphanet 88938, MedGen C1840389, MONDO:0007772, OMIM 145260.

Allele frequency attached by ClinVar (database versions not stated): TOPMed below 0.00001; gnomAD 0.00001.
gnomAD v4.1: 1 of 1,613,960 alleles (0.000062%); highest among the groups gnomAD compares: Non-Finnish European, 0.000085%; no homozygotes.

Submissions (2):

Fulgent Genetics
Classification: Likely pathogenic for Pseudohypoaldosteronism type 2D. Last evaluated: 2024-05-23. Review status: criteria provided, single submitter. Criteria: ACMG Guidelines, 2015. Collection method: clinical testing. Allele origin: germline.

Richard Lifton Laboratory, Yale University School of Medicine
Classification: Pathogenic for Pseudohypoaldosteronism, type 2. Review status: no assertion criteria provided. Collection method: not provided. Allele origin: germline. Not counted in ClinVar's aggregate classification.
Comment: recessive;Kelch propeller domain
ClinVar note: Converted during submission from pathogenic to Pathogenic.